The following is an entry in ClinVar:

NM_000701.8(ATP1A1):c.20G>A (p.Arg7His)

Gene: ATP1A1 (ATPase Na+/K+ transporting subunit alpha 1; plus strand). Cytogenetic location: 1p13.1.
Variant type: single nucleotide variant.
Coding change: c.20G>A on transcript NM_000701.8 (MANE Select); coding-DNA position 20, G replaced by A.
Protein change: p.Arg7His; replaces arginine 7 with histidine.
Molecular consequence: missense variant. On other transcripts: 5 prime UTR variant (1).
Genome position (GRCh38, 1-based): chr1:116,384,021, G>A. VCF-style: chr1-116384021-G-A. GRCh37 (hg19) VCF-style: chr1-116926643-G-A.
Other names: c.20G>A (NM_000701.7); c.20G>A, p.Arg7His (NM_001160233.2); c.-74G>A (NM_001160234.2); short protein forms R7H.
Identifiers: ClinVar variation 2991281 (VCV002991281.4), dbSNP rs146195513, ClinGen allele CA30066711.

ClinVar aggregate classification (germline): Uncertain significance. Review status: criteria provided, multiple submitters, no conflicts (2 of 4 stars). 2 submissions from 2 submitters: Uncertain significance (2). Last evaluated 2026-05-12.

Conditions:
ATP1A1-related disorder. Also called: ATP1A1-related condition.

Allele frequency attached by ClinVar (database versions not stated): ESP Exome Variant Server 0.00008.
gnomAD v4.1: 6 of 1,613,744 alleles (0.00037%); highest among the groups gnomAD compares: East Asian, 0.0022%; no homozygotes.

Submissions (2):

PreventionGenetics, part of Exact Sciences
Classification: Uncertain significance for ATP1A1-related condition. Last evaluated: 2026-05-12. Review status: criteria provided, single submitter. Criteria: ACMG Guidelines, 2015. Collection method: clinical testing. Allele origin: germline.
Comment: The ATP1A1 c.20G>A variant is predicted to result in the amino acid substitution p.Arg7His. To our knowledge, this variant has not been reported in the literature. This variant is reported in 0.0065% of alleles in individuals of European (non-Finnish) descent in gnomAD. At this time, the clinical significance of this variant is uncertain due to the absence of conclusive functional and genetic evidence.

Labcorp Genetics (formerly Invitae), Labcorp
Classification: Uncertain significance. Last evaluated: 2024-07-27. Review status: criteria provided, single submitter. Criteria: Invitae Variant Classification Sherloc (09022015). Collection method: clinical testing. Allele origin: germline.
Comment: This sequence change replaces arginine, which is basic and polar, with histidine, which is basic and polar, at codon 7 of the ATP1A1 protein (p.Arg7His). This variant is present in population databases (rs146195513, gnomAD 0.007%). This variant has not been reported in the literature in individuals affected with ATP1A1-related conditions. Advanced modeling of protein sequence and biophysical properties (such as structural, functional, and spatial information, amino acid conservation, physicochemical variation, residue mobility, and thermodynamic stability) performed at Invitae indicates that this missense variant is not expected to disrupt ATP1A1 protein function with a negative predictive value of 95%. In summary, the available evidence is currently insufficient to determine the role of this variant in disease. Therefore, it has been classified as a Variant of Uncertain Significance.